The following is an entry in ClinVar:

NM_003366.4(UQCRC2):c.1280C>T (p.Ala427Val)

Genes: PDZD9 (PDZ domain containing 9), UQCRC2 (ubiquinol-cytochrome c reductase core protein 2). Cytogenetic location: 16p12.2.
Variant type: single nucleotide variant.
Coding change: c.1280C>T on transcript NM_003366.4 (MANE Select); coding-DNA position 1280, C replaced by T.
Protein change: p.Ala427Val; replaces alanine 427 with valine.
Molecular consequence: missense variant.
Genome position (GRCh38, 1-based): chr16:21,983,089, C>T. VCF-style: chr16-21983089-C-T. GRCh37 (hg19) VCF-style: chr16-21994410-C-T.
Other names: short protein forms A427V.
Identifiers: ClinVar variation 1801128 (VCV001801128.1), dbSNP rs145809522, ClinGen allele CA7954018.

ClinVar aggregate classification (germline): Uncertain significance (1 of 4 stars; one submission).

Allele frequency attached by ClinVar (database versions not stated): gnomAD exomes 0.00008; ExAC 0.00014; gnomAD 0.00053; ESP Exome Variant Server 0.00077.
gnomAD v4.1: 202 of 1,612,496 alleles (0.013%); highest among the groups gnomAD compares: African/African-American, 0.19%; no homozygotes.

Submission:

GeneDx
Classification: Uncertain significance. Last evaluated: 2022-11-22. Review status: criteria provided, single submitter. Criteria: GeneDx Variant Classification Process June 2021. Collection method: clinical testing. Allele origin: germline. Affected: yes.
Comment: In silico analysis supports that this missense variant has a deleterious effect on protein structure/function; Has not been previously published as pathogenic or benign to our knowledge